The following is an entry in ClinVar:

NM_001267550.2(TTN):c.104499G>A (p.Ala34833=)

Genes: TTN (titin; minus strand), TTN-AS1 (TTN antisense RNA 1; plus strand). Cytogenetic location: 2q31.2.
Variant type: single nucleotide variant.
Coding change: c.104499G>A on transcript NM_001267550.2 (MANE Select); coding-DNA position 104499, G replaced by A.
Protein change: p.Ala34833=; no amino-acid change (alanine 34833 retained).
Molecular consequence: synonymous variant.
Genome position (GRCh38, 1-based): chr2:178,532,116, C>T on the plus strand (G>A on the coding strand, the complement: TTN is on the minus strand). VCF-style: chr2-178532116-C-T. GRCh37 (hg19) VCF-style: chr2-179396843-C-T.
Other names: c.99576G>A, p.Ala33192= (NM_001256850.1); c.77304G>A, p.Ala25768= (NM_003319.4); c.96795G>A, p.Ala32265= (NM_133378.4); c.77679G>A, p.Ala25893= (NM_133432.3); c.77880G>A, p.Ala25960= (NM_133437.4).
Identifiers: ClinVar variation 698227 (VCV000698227.31), dbSNP rs375992557, ClinGen allele CA1985416.
Genomic context (GRCh38, chr2:178,532,116, plus strand): 5'-TGGCCTCATTAACTCAATATAAGTTGGAGACAGGGAGCGCCGTCGTCTCAGTAGTCTAGA[C>T]GCAGATGAGGATGATTCTCTTTGAGCATGTTTTGAGATTTCGTATTCTTCCTCAATTTCT-3'
Protein context (NP_001254479.2, residues 34823-34843): KHAQRESSSS[Ala34833=]SRLLRRRRSL

ClinVar aggregate classification (germline): Likely benign. Review status: criteria provided, multiple submitters, no conflicts (2 of 4 stars). 4 submissions from 4 submitters: Likely benign (4). Last evaluated 2026-01-10.

Conditions:
Cardiovascular phenotype. Identifiers: MedGen CN230736.
Autosomal recessive limb-girdle muscular dystrophy type 2J (LGMDR10). Also called: Limb-girdle muscular dystrophy, type 2J; MUSCULAR DYSTROPHY, LIMB-GIRDLE, AUTOSOMAL RECESSIVE 10. Identifiers: Orphanet 140922, MedGen C1837342, MONDO:0012127, OMIM 608807.
Dilated cardiomyopathy 1G (CMD1G). Identifiers: Orphanet 154, MedGen C1858763, MONDO:0011400, OMIM 604145.
TTN-related disorder. Also called: TTN-related disorders; TTN-related condition; TTN-related disease.

Allele frequency attached by ClinVar (database versions not stated): ExAC 0.00002; gnomAD exomes 0.00002; gnomAD 0.00009; TOPMed 0.00009; ESP Exome Variant Server 0.00016.
gnomAD v4.1: 38 of 1,613,834 alleles (0.0024%); highest among the groups gnomAD compares: African/African-American, 0.02%; no homozygotes.

Submissions (4):

Labcorp Genetics (formerly Invitae), Labcorp
Classification: Likely benign for Dilated cardiomyopathy 1G; Autosomal recessive limb-girdle muscular dystrophy type 2J. Last evaluated: 2026-01-10. Review status: criteria provided, single submitter. Criteria: Invitae Variant Classification Sherloc (09022015). Collection method: clinical testing. Allele origin: germline.

CeGaT Center for Human Genetics Tuebingen
Classification: Likely benign. Last evaluated: 2025-11-01. Review status: criteria provided, single submitter. Criteria: CeGaT Center For Human Genetics Tuebingen Variant Classification Criteria Version 2. Collection method: clinical testing. Allele origin: germline. Affected: yes. Observed: 1 variant allele.
Comment: TTN: BP4, BP7

PreventionGenetics, part of Exact Sciences
Classification: Likely benign for TTN-related condition. Last evaluated: 2025-04-21. Review status: criteria provided, single submitter. Criteria: ACMG Guidelines, 2015. Collection method: clinical testing. Allele origin: germline.
Comment: This variant is classified as likely benign based on ACMG/AMP sequence variant interpretation guidelines (Richards et al. 2015 PMID: 25741868, with internal and published modifications).

Ambry Genetics
Classification: Likely benign for Cardiovascular phenotype. Last evaluated: 2020-07-14. Review status: criteria provided, single submitter. Criteria: Ambry Variant Classification Scheme 2023. Collection method: clinical testing. Allele origin: germline.